The following is an entry in ClinVar:

ClinVar aggregate classification (germline): Benign (0 of 4 stars; one submission).

Conditions:
KIF26B-related disorder. Also called: KIF26B-related condition.

Allele frequency attached by ClinVar (database versions not stated): TOPMed 0.00006; gnomAD 0.00038; gnomAD exomes 0.00057; 1000 Genomes Project 30x 0.00234; ExAC 0.00255; 1000 Genomes Project 0.00300.
gnomAD v4.1: 872 of 1,594,502 alleles (0.055%); highest among the groups gnomAD compares: South Asian, 0.93%; 15 homozygotes.

Submission:

PreventionGenetics, part of Exact Sciences
Classification: Benign for KIF26B-related condition. Last evaluated: 2020-02-17. Review status: no assertion criteria provided. Collection method: clinical testing. Allele origin: germline.
Comment: This variant is classified as benign based on ACMG/AMP sequence variant interpretation guidelines (Richards et al. 2015 PMID: 25741868, with internal and published modifications).

NM_018012.4(KIF26B):c.5165G>C (p.Gly1722Ala)

Gene: KIF26B (kinesin family member 26B; plus strand). Cytogenetic location: 1q44.
Variant type: single nucleotide variant.
Coding change: c.5165G>C on transcript NM_018012.4 (MANE Select); coding-DNA position 5165, G replaced by C.
Protein change: p.Gly1722Ala; replaces glycine 1722 with alanine.
Molecular consequence: missense variant.
Genome position (GRCh38, 1-based): chr1:245,688,148, G>C. VCF-style: chr1-245688148-G-C. GRCh37 (hg19) VCF-style: chr1-245851450-G-C.
Other names: short protein forms G1722A.
Identifiers: ClinVar variation 3049042 (VCV003049042.2), dbSNP rs551218176, ClinGen allele CA1488606.
Genomic context (GRCh38, chr1:245,688,148, plus strand): 5'-CCATGCCCCGCGCGGGGAGGAGCCTGGGCCGCAGCGCCGGGACCTCGCCCCCCAGCTCCG[G>C]GGCCTCGCCCAAGGCCGGCCAGTCCAAGATCTCCGCCGTGAGCAGACTCCTCCTGGCCAG-3'
Protein context (NP_060482.2, residues 1712-1732): RSAGTSPPSS[Gly1722Ala]ASPKAGQSKI